The following is an entry in ClinVar:

NM_004525.3(LRP2):c.12443C>T (p.Ala4148Val)

Gene: LRP2 (LDL receptor related protein 2; minus strand). Cytogenetic location: 2q31.1.
Variant type: single nucleotide variant.
Coding change: c.12443C>T on transcript NM_004525.3 (MANE Select); coding-DNA position 12443, C replaced by T.
Protein change: p.Ala4148Val; replaces alanine 4148 with valine.
Molecular consequence: missense variant.
Genome position (GRCh38, 1-based): chr2:169,152,817, G>A on the plus strand (C>T on the coding strand, the complement: LRP2 is on the minus strand). VCF-style: chr2-169152817-G-A. GRCh37 (hg19) VCF-style: chr2-170009327-G-A.
Other names: short protein forms A4148V.
Identifiers: ClinVar variation 2015600 (VCV002015600.4), dbSNP rs2545676866, ClinGen allele CA349134757.
Genomic context (GRCh38, chr2:169,152,817, plus strand): 5'-GGAAAACAGAACAGGTAAGGGGGGAATGTATGGCAAATTTACCTTCCAACCCAGTCCACT[G>A]CTATTCCATCTGGCTGCATTACGTATTTCAGTTTCAGGTCAACTTCCTGCACAAGATTAT-3'
Protein context (NP_004516.2, residues 4138-4158): LKYVMQPDGI[Ala4148Val]VDWVGRHIYW

ClinVar aggregate classification (germline): Uncertain significance (1 of 4 stars; one submission).

Submission:

Labcorp Genetics (formerly Invitae), Labcorp
Classification: Uncertain significance. Last evaluated: 2022-06-02. Review status: criteria provided, single submitter. Criteria: Invitae Variant Classification Sherloc (09022015). Collection method: clinical testing. Allele origin: germline.
Comment: This sequence change replaces alanine, which is neutral and non-polar, with valine, which is neutral and non-polar, at codon 4148 of the LRP2 protein (p.Ala4148Val). This variant is not present in population databases (gnomAD no frequency). This variant has not been reported in the literature in individuals affected with LRP2-related conditions. Advanced modeling of protein sequence and biophysical properties (such as structural, functional, and spatial information, amino acid conservation, physicochemical variation, residue mobility, and thermodynamic stability) performed at Invitae indicates that this missense variant is expected to disrupt LRP2 protein function. In summary, the available evidence is currently insufficient to determine the role of this variant in disease. Therefore, it has been classified as a Variant of Uncertain Significance.